The following is an entry in ClinVar:

NM_020964.3(EPG5):c.6428G>A (p.Ser2143Asn)

Gene: EPG5 (ectopic P-granules 5 autophagy tethering factor; minus strand). Cytogenetic location: 18q12.3.
Variant type: single nucleotide variant.
Coding change: c.6428G>A on transcript NM_020964.3 (MANE Select); coding-DNA position 6428, G replaced by A.
Protein change: p.Ser2143Asn; replaces serine 2143 with asparagine.
Molecular consequence: missense variant.
Genome position (GRCh38, 1-based): chr18:45,866,991, C>T on the plus strand (G>A on the coding strand, the complement: EPG5 is on the minus strand). VCF-style: chr18-45866991-C-T. GRCh37 (hg19) VCF-style: chr18-43446956-C-T.
Other names: c.6428G>A, p.Ser2143Asn (NM_001410858.1); c.6425G>A, p.Ser2142Asn (NM_001410859.1); short protein forms S2142N, S2143N.
Identifiers: ClinVar variation 2077866 (VCV002077866.1), dbSNP rs758294478, ClinGen allele CA8948269.

ClinVar aggregate classification (germline): Uncertain significance (1 of 4 stars; one submission).

Conditions:
Vici syndrome (VICIS). Identifiers: Orphanet 1493, MedGen C1855772, MONDO:0009452, OMIM 242840.

Allele frequency attached by ClinVar (database versions not stated): ExAC 0.00001; TOPMed 0.00003; gnomAD 0.00004; gnomAD exomes 0.00004.
gnomAD v4.1: 68 of 1,613,768 alleles (0.0042%); highest among the groups gnomAD compares: Admixed American, 0.032%; no homozygotes.

Submission:

Labcorp Genetics (formerly Invitae), Labcorp
Classification: Uncertain significance for Vici syndrome. Last evaluated: 2022-08-21. Review status: criteria provided, single submitter. Criteria: Invitae Variant Classification Sherloc (09022015). Collection method: clinical testing. Allele origin: germline.
Comment: This sequence change replaces serine, which is neutral and polar, with asparagine, which is neutral and polar, at codon 2143 of the EPG5 protein (p.Ser2143Asn). This variant is present in population databases (rs758294478, gnomAD 0.05%). This variant has not been reported in the literature in individuals affected with EPG5-related conditions. Algorithms developed to predict the effect of missense changes on protein structure and function output the following: SIFT: "Tolerated"; PolyPhen-2: "Benign"; Align-GVGD: "Class C0". The asparagine amino acid residue is found in multiple mammalian species, which suggests that this missense change does not adversely affect protein function. In summary, the available evidence is currently insufficient to determine the role of this variant in disease. Therefore, it has been classified as a Variant of Uncertain Significance.